The following is an entry in ClinVar:

ClinVar aggregate classification (germline): Uncertain significance. Review status: criteria provided, multiple submitters, no conflicts (2 of 4 stars). 3 submissions from 3 submitters: Uncertain significance (3). Last evaluated 2026-06-11.

Conditions:
Inborn genetic diseases. Identifiers: MedGen C0950123, MeSH D030342.

Allele frequency attached by ClinVar (database versions not stated): gnomAD exomes below 0.00001; gnomAD 0.00001; TOPMed 0.00003.
gnomAD v4.1: 4 of 1,614,014 alleles (0.00025%); highest among the groups gnomAD compares: Admixed American, 0.0017%; no homozygotes.

Submissions (3):

Ambry Genetics
Classification: Uncertain significance for Inborn genetic diseases. Last evaluated: 2026-06-11. Review status: criteria provided, single submitter. Criteria: Ambry Variant Classification Scheme 2023. Collection method: clinical testing. Allele origin: germline.

Labcorp Genetics (formerly Invitae), Labcorp
Classification: Uncertain significance. Last evaluated: 2023-08-04. Review status: criteria provided, single submitter. Criteria: Invitae Variant Classification Sherloc (09022015). Collection method: clinical testing. Allele origin: germline.
Comment: This sequence change replaces isoleucine, which is neutral and non-polar, with threonine, which is neutral and polar, at codon 69 of the VCAN protein (p.Ile69Thr). In summary, the available evidence is currently insufficient to determine the role of this variant in disease. Therefore, it has been classified as a Variant of Uncertain Significance. An algorithm developed to predict the effect of missense changes on protein structure and function (PolyPhen-2) suggests that this variant is likely to be tolerated. ClinVar contains an entry for this variant (Variation ID: 1959241). This variant has not been reported in the literature in individuals affected with VCAN-related conditions. This variant is not present in population databases (gnomAD no frequency).

Blueprint Genetics
Classification: Uncertain significance. Last evaluated: 2022-11-23. Review status: criteria provided, single submitter. Criteria: ACMG Guidelines, 2015. Collection method: clinical testing. Allele origin: germline.

NM_004385.5(VCAN):c.206T>C (p.Ile69Thr)

Gene: VCAN (versican; plus strand). Cytogenetic location: 5q14.2.
Variant type: single nucleotide variant.
Coding change: c.206T>C on transcript NM_004385.5 (MANE Select); coding-DNA position 206, T replaced by C.
Protein change: p.Ile69Thr; replaces isoleucine 69 with threonine.
Molecular consequence: missense variant.
Genome position (GRCh38, 1-based): chr5:83,490,233, T>C. VCF-style: chr5-83490233-T-C. GRCh37 (hg19) VCF-style: chr5-82786052-T-C.
Other names: c.206T>C, p.Ile69Thr (NM_001126336.3, NM_001164097.2, NM_001164098.2); c.206T>C (NM_004385.4); short protein forms I69T.
Identifiers: ClinVar variation 1959241 (VCV001959241.7), dbSNP rs1465864734, ClinGen allele CA360295239.